The following is an entry in ClinVar:

NM_001372.4(DNAH9):c.131A>C (p.Glu44Ala)

Gene: DNAH9 (dynein axonemal heavy chain 9; plus strand). Cytogenetic location: 17p12.
Variant type: single nucleotide variant.
Coding change: c.131A>C on transcript NM_001372.4 (MANE Select); coding-DNA position 131, A replaced by C.
Protein change: p.Glu44Ala; replaces glutamic acid 44 with alanine.
Molecular consequence: missense variant.
Genome position (GRCh38, 1-based): chr17:11,598,629, A>C. VCF-style: chr17-11598629-A-C. GRCh37 (hg19) VCF-style: chr17-11501946-A-C.
Other names: short protein forms E44A.
Identifiers: ClinVar variation 4698546 (VCV004698546.1).

ClinVar aggregate classification (germline): Uncertain significance (1 of 4 stars; one submission).

gnomAD v4.1: 12 of 1,342,356 alleles (0.00089%); highest among the groups gnomAD compares: Middle Eastern, 0.025%; no homozygotes.

Submission:

Labcorp Genetics (formerly Invitae), Labcorp
Classification: Uncertain significance. Last evaluated: 2025-08-18. Review status: criteria provided, single submitter. Criteria: Invitae Variant Classification Sherloc (09022015). Collection method: clinical testing. Allele origin: germline.
Comment: This sequence change replaces glutamic acid, which is acidic and polar, with alanine, which is neutral and non-polar, at codon 44 of the DNAH9 protein (p.Glu44Ala). This variant is present in population databases (no rsID available, gnomAD 0.01%). This variant has not been reported in the literature in individuals affected with DNAH9-related conditions. An algorithm developed to predict the effect of missense changes on protein structure and function (PolyPhen-2) suggests that this variant is likely to be tolerated. In summary, the available evidence is currently insufficient to determine the role of this variant in disease. Therefore, it has been classified as a Variant of Uncertain Significance.